The following is an entry in ClinVar:

NM_003000.3(SDHB):c.248T>G (p.Val83Gly)

Gene: SDHB (succinate dehydrogenase complex iron sulfur subunit B; minus strand). Cytogenetic location: 1p36.13.
Variant type: single nucleotide variant.
Coding change: c.248T>G on transcript NM_003000.3 (MANE Select); coding-DNA position 248, T replaced by G.
Protein change: p.Val83Gly; replaces valine 83 with glycine.
Molecular consequence: missense variant.
Genome position (GRCh38, 1-based): chr1:17,033,098, A>C on the plus strand (T>G on the coding strand, the complement: SDHB is on the minus strand). VCF-style: chr1-17033098-A-C. GRCh37 (hg19) VCF-style: chr1-17359593-A-C.
Other names: short protein forms V83G.
Identifiers: ClinVar variation 837349 (VCV000837349.7), dbSNP rs763547482, ClinGen allele CA089555.

ClinVar aggregate classification (germline): Uncertain significance (1 of 4 stars; one submission).

Conditions:
Pheochromocytoma/paraganglioma syndrome 4. Also called: CAROTID BODY TUMORS AND MULTIPLE EXTRAADRENAL PHEOCHROMOCYTOMAS; SDHB-Related Hereditary Paraganglioma-Pheochromocytoma Syndrome (Paragangliomas 4); SDHB-Related Hereditary Paraganglioma-Pheochromocytoma Syndrome; PARAGANGLIOMA, FAMILIAL MALIGNANT; PARAGANGLIOMAS, HEREDITARY EXTRAADRENAL; PHEOCHROMOCYTOMA, FAMILIAL EXTRAADRENAL. Identifiers: Orphanet 29072, MedGen C1861848, MONDO:0007273, OMIM 115310.
Gastrointestinal stromal tumor. Also called: Gastrointestinal stromal tumor, somatic; Gastrointestinal stroma tumor. Identifiers: Orphanet 44890, MedGen C0238198, MeSH D046152, MONDO:0011719, OMIM 606764, HP:0100723.
Pheochromocytoma. Also called: MAX-Related Hereditary Paraganglioma-Pheochromocytoma Syndrome. Identifiers: Orphanet 29072, MedGen C0031511, MONDO:0008233, OMIM 171300, HP:0002666.

Allele frequency attached by ClinVar (database versions not stated): ExAC 0.00001; gnomAD exomes below 0.00001.
gnomAD v4.1: 1 of 1,613,996 alleles (0.000062%); highest among the groups gnomAD compares: Admixed American, 0.0017%; no homozygotes.

Submission:

Labcorp Genetics (formerly Invitae), Labcorp
Classification: Uncertain significance for Gastrointestinal stromal tumor; Pheochromocytoma/paraganglioma syndrome 4; Pheochromocytoma. Last evaluated: 2025-12-01. Review status: criteria provided, single submitter. Criteria: Invitae Variant Classification Sherloc (09022015). Collection method: clinical testing. Allele origin: germline.
Comment: This sequence change replaces valine, which is neutral and non-polar, with glycine, which is neutral and non-polar, at codon 83 of the SDHB protein (p.Val83Gly). This variant is present in population databases (rs763547482, gnomAD 0.003%). This variant has not been reported in the literature in individuals affected with SDHB-related conditions. ClinVar contains an entry for this variant (Variation ID: 837349). Invitae Evidence Modeling of protein sequence and biophysical properties (such as structural, functional, and spatial information, amino acid conservation, physicochemical variation, residue mobility, and thermodynamic stability) indicates that this missense variant is not expected to disrupt SDHB protein function with a negative predictive value of 80%. In summary, the available evidence is currently insufficient to determine the role of this variant in disease. Therefore, it has been classified as a Variant of Uncertain Significance.